The following is an entry in ClinVar:

ClinVar aggregate classification (germline): Likely pathogenic (1 of 4 stars; one submission).

Conditions:
EPILEPSY, CHILDHOOD ABSENCE, SUSCEPTIBILITY TO, 2 (ECA2). Identifiers: Orphanet 64280, MedGen C1843244, OMIM 607681.
Febrile seizures, familial, 8 (FEB8). Also called: CONVULSIONS, FAMILIAL FEBRILE, 8. Identifiers: Orphanet 36387, MedGen C1969810, MONDO:0011891, OMIM 607681.

Allele frequency attached by ClinVar (database versions not stated): gnomAD exomes below 0.00001.
gnomAD v4.1: 2 of 1,613,734 alleles (0.00012%); highest among the groups gnomAD compares: Non-Finnish European, 0.00017%; no homozygotes.

Submission:

Labcorp Genetics (formerly Invitae), Labcorp
Classification: Likely pathogenic for Febrile seizures, familial, 8; EPILEPSY, CHILDHOOD ABSENCE, SUSCEPTIBILITY TO, 2. Last evaluated: 2024-09-23. Review status: criteria provided, single submitter. Criteria: Invitae Variant Classification Sherloc (09022015). Collection method: clinical testing. Allele origin: germline.
Comment: This sequence change replaces arginine, which is basic and polar, with histidine, which is basic and polar, at codon 125 of the GABRG2 protein (p.Arg125His). This variant is not present in population databases (gnomAD no frequency). This variant has not been reported in the literature in individuals affected with GABRG2-related conditions. ClinVar contains an entry for this variant (Variation ID: 1934492). Invitae Evidence Modeling of protein sequence and biophysical properties (such as structural, functional, and spatial information, amino acid conservation, physicochemical variation, residue mobility, and thermodynamic stability) indicates that this missense variant is expected to disrupt GABRG2 protein function with a positive predictive value of 95%. This variant disrupts the p.Arg125 amino acid residue in GABRG2. Other variant(s) that disrupt this residue have been determined to be pathogenic (PMID: 35359574; internal data). This suggests that this residue is clinically significant, and that variants that disrupt this residue are likely to be disease-causing. In summary, the currently available evidence indicates that the variant is pathogenic, but additional data are needed to prove that conclusively. Therefore, this variant has been classified as Likely Pathogenic.

Literature cited by the submitters: PubMed 35359574.

NM_198904.4(GABRG2):c.374G>A (p.Arg125His)

Gene: GABRG2 (gamma-aminobutyric acid type A receptor subunit gamma2; plus strand). Cytogenetic location: 5q34.
Variant type: single nucleotide variant.
Coding change: c.374G>A on transcript NM_198904.4 (MANE Select); coding-DNA position 374, G replaced by A.
Protein change: p.Arg125His; replaces arginine 125 with histidine.
Molecular consequence: missense variant. On other transcripts: intron variant (2).
Genome position (GRCh38, 1-based): chr5:162,097,684, G>A. VCF-style: chr5-162097684-G-A. GRCh37 (hg19) VCF-style: chr5-161524690-G-A.
Other names: c.374G>A, p.Arg125His (NM_000816.3, NM_001375340.1, NM_001375341.1 and 4 more transcripts); c.365G>A, p.Arg122His (NM_001375339.1); c.308G>A, p.Arg103His (NM_001375345.1, NM_001375346.1); c.287G>A, p.Arg96His (NM_001375347.1); c.89G>A, p.Arg30His (NM_001375349.1); c.-31-16G>A (NM_001375350.1, NM_001375348.1); short protein forms R96H, R103H, R30H, R122H, R125H.
Identifiers: ClinVar variation 1934492 (VCV001934492.5), dbSNP rs2532568719, ClinGen allele CA362183878.